The following is an entry in ClinVar:

ClinVar aggregate classification (germline): Pathogenic/Likely pathogenic. Review status: criteria provided, multiple submitters, no conflicts (2 of 4 stars). 3 submissions from 3 submitters: Pathogenic (1); Likely pathogenic (2). Last evaluated 2020-09-23.

Conditions:
Cardiovascular phenotype. Identifiers: MedGen CN230736.
Dilated cardiomyopathy 1G (CMD1G). Identifiers: Orphanet 154, MedGen C1858763, MONDO:0011400, OMIM 604145.
Autosomal recessive limb-girdle muscular dystrophy type 2J (LGMDR10). Also called: MUSCULAR DYSTROPHY, LIMB-GIRDLE, AUTOSOMAL RECESSIVE 10; Limb-girdle muscular dystrophy, type 2J. Identifiers: Orphanet 140922, MedGen C1837342, MONDO:0012127, OMIM 608807.

Submissions (3):

Ambry Genetics
Classification: Likely pathogenic for Cardiovascular phenotype. Last evaluated: 2020-09-23. Review status: criteria provided, single submitter. Criteria: Ambry Variant Classification Scheme 2023. Collection method: clinical testing. Allele origin: germline.
Comment: The c.54007delT variant, located in coding exon 153 of the TTN gene, results from a deletion of one nucleotide at nucleotide position 54007, causing a translational frameshift with a predicted alternate stop codon (p.Y18003Ifs*14). This exon is located in the A-band region of the N2-B isoform of the titin protein and is constitutively expressed in TTN transcripts (percent spliced in or PSI 100%). This alteration is expected to result in loss of function by premature protein truncation or nonsense-mediated mRNA decay. While truncating variants in TTN are present in 1-3% of the general population, truncating variants in the A-band are the most common cause of dilated cardiomyopathy (DCM) (Herman DS et al. N. Engl. J. Med., 2012 Feb;366:619-28; Roberts AM et al. Sci Transl Med, 2015 Jan;7:270ra6). TTN truncating variants encoded in constitutive exons (PSI >90%) have been found to be significantly associated with DCM regardless of their position in titin (Schafer S et al. Nat. Genet., 2017 01;49:46-53). As such, this alteration is classified as likely pathogenic.

Labcorp Genetics (formerly Invitae), Labcorp
Classification: Likely pathogenic for Dilated cardiomyopathy 1G; Autosomal recessive limb-girdle muscular dystrophy type 2J. Last evaluated: 2019-02-07. Review status: criteria provided, single submitter. Criteria: Invitae Variant Classification Sherloc (09022015). Collection method: clinical testing. Allele origin: germline.
Comment: In summary, the currently available evidence indicates that the variant is pathogenic, but additional data are needed to prove that conclusively. Therefore, this variant has been classified as Likely Pathogenic. This variant is located in the A band of TTN (PMID: 25589632). Truncating variants in this region are significantly overrepresented in patients affected with dilated cardiomyopathy (PMID: 25589632). Truncating variants in this region have also been reported in individuals affected with autosomal recessive centronuclear myopathy (PMID: 23975875). This variant has not been reported in the literature in individuals with TTN-related conditions. ClinVar contains an entry for this variant (Variation ID: 202541). This variant is not present in population databases (ExAC no frequency). This sequence change results in a premature translational stop signal in the TTN gene (p.Tyr27068Ilefs*14). While this is not anticipated to result in nonsense mediated decay, it is expected to create a truncated TTN protein.

GeneDx
Classification: Pathogenic. Last evaluated: 2014-10-03. Review status: criteria provided, single submitter. Criteria: GeneDx Variant Classification (06012015). Collection method: clinical testing. Allele origin: germline. Affected: yes.
Comment: c.76279delT: p.Tyr25427IlefsX14 (Y25427IfsX14) in exon 276 of the TTN gene (NM_001256850.1). The normal sequence with the base that is deleted in braces is: ACTT{T}ATCC. Although the c.76279delT mutation in the TTN gene has not been reported to our knowledge, this mutation causes a shift in reading frame starting at codon Tyrosine 25427, changing it to an Isoleucine, and creating a premature stop codon at position 14 of the new reading frame, denoted p.Tyr25427IlefsX14. This mutation is expected to result in either an abnormal, truncated protein product or loss of protein from this allele through nonsense-mediated mRNA decay. Other truncating TTN variants have been reported in approximately 3% of control alleles (Herman D et al., 2012). However, c.76279delT is located in the Aband region of titin, where the majority of truncating mutations associated with DCM have been reported (Herman D et al., 2012). In summary, c.76279delT in the TTN gene is interpreted as a disease-causing mutation. The variant is found in the CARDIOMYOPATHY panel.

Literature cited by the submitters: PubMed 25589632 (cited by Labcorp Genetics (formerly Invitae), Labcorp); PubMed 23975875 (cited by Labcorp Genetics (formerly Invitae), Labcorp).

NM_001267550.2(TTN):c.81202del (p.Tyr27068fs)

Genes: TTN (titin; minus strand), TTN-AS1 (TTN antisense RNA 1; plus strand). Cytogenetic location: 2q31.2.
Variant type: Deletion.
Coding change: c.81202del on transcript NM_001267550.2 (MANE Select); coding-DNA position 81202, one base deleted (T; older notation c.81202delT).
Protein change: p.Tyr27068fs; shifts the reading frame from tyrosine 27068.
Molecular consequence: frameshift variant.
Genome position (GRCh38, 1-based): chr2:178,564,930, A deleted on the plus strand (T on the coding strand, the reverse complement: TTN is on the minus strand). VCF-style (leftmost placement, unchanged base first): chr2-178564929-TA-T. GRCh37 (hg19) VCF-style: chr2-179429656-TA-T.
Other names: c.76279del, p.Tyr25427fs (NM_001256850.1); c.54007del, p.Tyr18003fs (NM_003319.4); c.73498del, p.Tyr24500fs (NM_133378.4); c.54382del, p.Tyr18128fs (NM_133432.3); c.54583del, p.Tyr18195fs (NM_133437.4); c.76279delT (NM_001256850.1); c.54007delT (NM_003319.4); short protein forms Y18128fs, Y18195fs, Y24500fs, Y25427fs, Y27068fs, Y18003fs.
Identifiers: ClinVar variation 202541 (VCV000202541.13), dbSNP rs794729394, ClinGen allele CA309545.